The following is an entry in ClinVar:

NM_002692.4(POLE2):c.1471A>C (p.Asn491His)

Gene: POLE2 (DNA polymerase epsilon 2, accessory subunit; minus strand). Cytogenetic location: 14q21.3.
Variant type: single nucleotide variant.
Coding change: c.1471A>C on transcript NM_002692.4 (MANE Select); coding-DNA position 1471, A replaced by C.
Protein change: p.Asn491His; replaces asparagine 491 with histidine.
Molecular consequence: missense variant.
Genome position (GRCh38, 1-based): chr14:49,650,291, T>G on the plus strand (A>C on the coding strand, the complement: POLE2 is on the minus strand). VCF-style: chr14-49650291-T-G. GRCh37 (hg19) VCF-style: chr14-50117009-T-G.
Other names: c.1393A>C, p.Asn465His (NM_001197330.2); c.1471A>C, p.Asn491His (NM_001197331.3); c.1468A>C, p.Asn490His (NM_001348384.2); c.1240A>C, p.Asn414His (NM_001348385.2); short protein forms N490H, N465H, N414H, N491H.
Identifiers: ClinVar variation 2976616 (VCV002976616.3), dbSNP rs779000974, ClinGen allele CA7173268.

ClinVar aggregate classification (germline): Uncertain significance (1 of 4 stars; one submission).

Allele frequency attached by ClinVar (database versions not stated): ExAC 0.00001; gnomAD 0.00008.
gnomAD v4.1: 12 of 1,604,330 alleles (0.00075%); highest among the groups gnomAD compares: African/African-American, 0.012%; no homozygotes.

Submission:

Labcorp Genetics (formerly Invitae), Labcorp
Classification: Uncertain significance. Last evaluated: 2023-05-14. Review status: criteria provided, single submitter. Criteria: Invitae Variant Classification Sherloc (09022015). Collection method: clinical testing. Allele origin: germline.
Comment: In summary, the available evidence is currently insufficient to determine the role of this variant in disease. Therefore, it has been classified as a Variant of Uncertain Significance. An algorithm developed to predict the effect of missense changes on protein structure and function (PolyPhen-2) suggests that this variant is likely to be tolerated. This variant has not been reported in the literature in individuals affected with POLE2-related conditions. This variant is present in population databases (rs779000974, gnomAD 0.008%). This sequence change replaces asparagine, which is neutral and polar, with histidine, which is basic and polar, at codon 491 of the POLE2 protein (p.Asn491His).